The following is an entry in ClinVar:

ClinVar aggregate classification (germline): Uncertain significance (1 of 4 stars; one submission).

Conditions:
Inborn genetic diseases. Identifiers: MedGen C0950123, MeSH D030342.

gnomAD v4.1: 2 of 1,614,122 alleles (0.00012%); highest among the groups gnomAD compares: Admixed American, 0.0033%; no homozygotes.

Submission:

Ambry Genetics
Classification: Uncertain significance for Inborn genetic diseases. Last evaluated: 2026-04-01. Review status: criteria provided, single submitter. Criteria: Ambry Variant Classification Scheme 2023. Collection method: clinical testing. Allele origin: germline.
Comment: The c.3800C>G (p.T1267S) alteration is located in exon 18 (coding exon 16) of the KAT6B gene. This alteration results from a C to G substitution at nucleotide position 3800, causing the threonine (T) at amino acid position 1267 to be replaced by a serine (S). Based on data from gnomAD, the G allele has an overall frequency of <0.001% (1/251458) total alleles studied. The highest observed frequency was 0.003% (1/34592) of Latino alleles. Based on insufficient or conflicting evidence, the clinical significance of this alteration remains unclear.

NM_012330.4(KAT6B):c.3800C>G (p.Thr1267Ser)

Gene: KAT6B (lysine acetyltransferase 6B; plus strand). Cytogenetic location: 10q22.2.
Variant type: single nucleotide variant.
Coding change: c.3800C>G on transcript NM_012330.4 (MANE Select); coding-DNA position 3800, C replaced by G.
Protein change: p.Thr1267Ser; replaces threonine 1267 with serine.
Molecular consequence: missense variant.
Genome position (GRCh38, 1-based): chr10:75,028,624, C>G. VCF-style: chr10-75028624-C-G. GRCh37 (hg19) VCF-style: chr10-76788382-C-G.
Other names: c.3251C>G, p.Thr1084Ser (NM_001256468.2, NM_001370138.1); c.2924C>G, p.Thr975Ser (NM_001256469.2, NM_001370139.1, NM_001370140.1 and 2 more transcripts); c.2762C>G, p.Thr921Ser (NM_001370132.1); c.2111C>G, p.Thr704Ser (NM_001370133.1); c.1715C>G, p.Thr572Ser (NM_001370134.1); c.1457C>G, p.Thr486Ser (NM_001370135.1); c.3800C>G, p.Thr1267Ser (NM_001370136.1, NM_001370137.1); c.2735C>G, p.Thr912Ser (NM_001370143.1, NM_001370144.1); short protein forms T1084S, T1267S, T486S, T572S, T704S, T912S, T921S, T975S.
Identifiers: ClinVar variation 4858590 (VCV004858590.1).